The following is an entry in ClinVar:

NM_001379500.1(COL18A1):c.1817G>A (p.Gly606Glu)

Gene: COL18A1 (collagen type XVIII alpha 1 chain; plus strand). Cytogenetic location: 21q22.3.
Variant type: single nucleotide variant.
Coding change: c.1817G>A on transcript NM_001379500.1 (MANE Select); coding-DNA position 1817, G replaced by A.
Protein change: p.Gly606Glu; replaces glycine 606 with glutamic acid.
Molecular consequence: missense variant.
Genome position (GRCh38, 1-based): chr21:45,486,976, G>A. VCF-style: chr21-45486976-G-A. GRCh37 (hg19) VCF-style: chr21-46906890-G-A.
Other names: c.2357G>A, p.Gly786Glu (NM_030582.4); c.3062G>A, p.Gly1021Glu (NM_130444.3); short protein forms G606E, G1021E, G786E.
Identifiers: ClinVar variation 1424631 (VCV001424631.6), dbSNP rs2145964932, ClinGen allele CA410496367.
Genomic context (GRCh38, chr21:45,486,976, plus strand): 5'-GAGCCCCCGGACCTGCTGGACCACCAGGCCCCCCTGGGCCCCCTGGGCCCCCAGGACCAG[G>A]ACTCCCCGCTGGATTTGTGAGTACCGCCTACACCTGACCCCCTGGAGAGCCGGGGGCTGC-3'
Protein context (NP_001366429.1, residues 596-616): PPGPPGPPGP[Gly606Glu]LPAGFDDMEG

ClinVar aggregate classification (germline): Uncertain significance (1 of 4 stars; one submission).

Submission:

Labcorp Genetics (formerly Invitae), Labcorp
Classification: Uncertain significance. Last evaluated: 2022-07-19. Review status: criteria provided, single submitter. Criteria: Invitae Variant Classification Sherloc (09022015). Collection method: clinical testing. Allele origin: germline.
Comment: In summary, the available evidence is currently insufficient to determine the role of this variant in disease. Therefore, it has been classified as a Variant of Uncertain Significance. Experimental studies and prediction algorithms are not available or were not evaluated, and the functional significance of this variant is currently unknown. ClinVar contains an entry for this variant (Variation ID: 1424631). This variant has not been reported in the literature in individuals affected with COL18A1-related conditions. This variant is not present in population databases (gnomAD no frequency). This sequence change replaces glycine with glutamic acid at codon 606 of the COL18A1 protein (p.Gly606Glu). There is a moderate physicochemical difference between glycine and glutamic acid.